The following is an entry in ClinVar:

NM_175914.5(HNF4A):c.125G>T (p.Gly42Val)

Gene: HNF4A (hepatocyte nuclear factor 4 alpha; plus strand). Cytogenetic location: 20q13.12.
Variant type: single nucleotide variant.
Coding change: c.125G>T on transcript NM_175914.5 (MANE Select); coding-DNA position 125, G replaced by T.
Protein change: p.Gly42Val; replaces glycine 42 with valine.
Molecular consequence: missense variant.
Genome position (GRCh38, 1-based): chr20:44,406,133, G>T. VCF-style: chr20-44406133-G-T. GRCh37 (hg19) VCF-style: chr20-43034773-G-T.
Other names: NM_175914.5:c.125G>T; c.191G>T, p.Gly64Val (NM_000457.6, NM_178849.3, NM_178850.3); c.125G>T, p.Gly42Val (NM_001030003.3, NM_001030004.3); c.170G>T, p.Gly57Val (NM_001258355.2); c.116G>T, p.Gly39Val (NM_001287182.2, NM_001287183.2, NM_001287184.2); short protein forms G39V, G42V, G57V, G64V.
Identifiers: ClinVar variation 2578345 (VCV002578345.1), dbSNP rs2515644510, ClinGen allele CA409103809.

ClinVar aggregate classification (germline): Likely pathogenic (3 of 4 stars; one submission).

Conditions:
Monogenic diabetes. Identifiers: Orphanet 183625, MedGen C3888631, MONDO:0015967.

Submission:

ClinGen Monogenic Diabetes Variant Curation Expert Panel
Classification: Likely pathogenic for Monogenic diabetes. Last evaluated: 2023-08-18. Review status: reviewed by expert panel. Criteria: ClinGen Monogenic Diabetes ACMG Specifications HNF4A V1.1.0. Collection method: curation. Allele origin: germline. Inheritance: Autosomal dominant inheritance.
Comment: The c.125G>T variant in the hepatocyte nuclear factor 4-alpha gene, HNF4A, causes an amino acid change of glycine to valine at codon 42 (p.(Gly42Val)) of NM_175914.5. This variant was identified in an individual with a clinical history highly specific for HNF4A-MODY (MODY probability calculator result >50%, negative genetic testing for HNF1A, and responsive to sulfonylurea) (PP4_Moderate; internal lab contributors). This variant is predicted to be deleterious by computational evidence, with a REVEL score of 0.964, which is greater than the MDEP VCEP threshold of 0.70 (PP3). This variant is located within the DNA binding domain (codons 37-113 of HNF4A), which is defined as critical for the protein’s function by the ClinGen MDEP (PM1_Supporting). This variant is absent from gnomAD v2.1.1 (PM2_Supporting). Another missense variant, c.124G>A p.Gly42Arg, has been classified as likely pathogenic by the ClinGen MDEP (PM5_Supporting). In summary, c.125G>T meets the criteria to be classified as likely pathogenic for monogenic diabetes. ACMG/AMP criteria applied, as specified by the ClinGen MDEP (specification version 1.1.0 approved 8/11/2023): PP4_Moderate, PP3, PM1_Supporting, PM2_Supporting, PM5_Supporting.